The following is an entry in ClinVar:

ClinVar aggregate classification (germline): Pathogenic. Review status: criteria provided, multiple submitters, no conflicts (2 of 4 stars). 3 submissions from 3 submitters: Pathogenic (2). 1 of the submissions does not count toward it. Last evaluated 2021-11-03.

Conditions:
Sialuria. Also called: SIALURIA, FRENCH TYPE; Sialic Acid Storage Disease. Identifiers: Orphanet 3166, MedGen C0342853, MONDO:0010028, OMIM 269921.
GNE myopathy (NM). Also called: IBM 2; Inclusion body myopathy autosomal recessive; Inclusion body myopathy quadriceps sparing; NONAKA DISTAL MYOPATHY; INCLUSION BODY MYOPATHY, HEREDITARY, AUTOSOMAL RECESSIVE; INCLUSION BODY MYOPATHY 2, AUTOSOMAL RECESSIVE. Identifiers: Orphanet 602, MedGen C1853926, MONDO:0011603, OMIM 605820.

Submissions (3):

Institute for Clinical Genetics, University Hospital TU Dresden, University Hospital TU Dresden
Classification: Pathogenic. Last evaluated: 2021-11-03. Review status: criteria provided, single submitter. Criteria: ACMG Guidelines, 2015. Collection method: clinical testing. Allele origin: germline.

Labcorp Genetics (formerly Invitae), Labcorp
Classification: Pathogenic for Sialuria; GNE myopathy. Last evaluated: 2020-10-09. Review status: criteria provided, single submitter. Criteria: Invitae Variant Classification Sherloc (09022015). Collection method: clinical testing. Allele origin: germline.
Comment: This variant disrupts the C-terminus of the GNE protein. Other variant(s) that disrupt this region (p.Cys617Alafs*57) have been determined to be pathogenic (PMID: 22507750, Invitae). This suggests that variants that disrupt this region of the protein are likely to be causative of disease. For these reasons, this variant has been classified as Pathogenic. This variant has not been reported in the literature in individuals with GNE-related conditions. ClinVar contains an entry for this variant (Variation ID: 551069). This sequence change results in a premature translational stop signal in the GNE gene (p.Cys612Valfs*62). While this is not anticipated to result in nonsense mediated decay, it is expected to disrupt the last 142 amino acid(s) of the GNE protein. This variant is not present in population databases (ExAC no frequency).

Counsyl
Classification: Likely pathogenic for GNE myopathy. Last evaluated: 2017-03-23. Review status: no assertion criteria provided. Collection method: clinical testing. Allele origin: unknown. Not counted in ClinVar's aggregate classification.

Literature cited by the submitters: PubMed 22507750 (cited by Labcorp Genetics (formerly Invitae), Labcorp).

NM_005476.7(GNE):c.1740del (p.Cys581fs)

Gene: GNE (glucosamine (UDP-N-acetyl)-2-epimerase/N-acetylmannosamine kinase; minus strand). Cytogenetic location: 9p13.3.
Variant type: Deletion.
Coding change: c.1740del on transcript NM_005476.7 (MANE Select); coding-DNA position 1740, one base deleted (C; older notation c.1740delC).
Protein change: p.Cys581fs; shifts the reading frame from cysteine 581.
Molecular consequence: frameshift variant.
Genome position (GRCh38, 1-based): chr9:36,219,914, G deleted on the plus strand (C on the coding strand, the reverse complement: GNE is on the minus strand); the first of 2 consecutive G bases (chr9:36,219,914-36,219,915); deleting either gives the same sequence. VCF-style (leftmost placement, unchanged base first): chr9-36219913-AG-A. GRCh37 (hg19) VCF-style: chr9-36219910-AG-A.
Other names: c.1833del, p.Cys612fs (NM_001128227.3); c.1518del, p.Cys507fs (NM_001190383.3); c.1410del, p.Cys471fs (NM_001190384.3); c.1563del, p.Cys522fs (NM_001190388.2, NM_001374798.1); c.1587del, p.Cys530fs (NM_001374797.1); short protein forms C471fs, C507fs, C581fs, C612fs, C530fs, C522fs.
Identifiers: ClinVar variation 551069 (VCV000551069.13), dbSNP rs1554658453, ClinGen allele CA658822294.
Genomic context (GRCh38, chr9:36,219,913, plus strand): 5'-TTGCCTCCCTCTGCAAGGCCATTCCAGAGGCGTATGCTTCAATGCACCCATGGCTTCCAC[AG>A]GAACAATCAGGCCCATCCAGAGACACAACAAGGTGGCCCAGTTCTGCAGCACAGAAGGAG-3'